The following is an entry in ClinVar:

NM_000297.4(PKD2):c.149G>T (p.Arg50Leu)

Genes: PKD2 (polycystin 2, transient receptor potential cation channel; plus strand), LOC129992813 (ATAC-STARR-seq lymphoblastoid silent region 15559; plus strand). Cytogenetic location: 4q22.1.
Variant type: single nucleotide variant.
Coding change: c.149G>T on transcript NM_000297.4 (MANE Select); coding-DNA position 149, G replaced by T.
Protein change: p.Arg50Leu; replaces arginine 50 with leucine.
Molecular consequence: missense variant. On other transcripts: non-coding transcript variant (1).
Genome position (GRCh38, 1-based): chr4:88,007,882, G>T. VCF-style: chr4-88007882-G-T. GRCh37 (hg19) VCF-style: chr4-88929034-G-T.
Other names: c.149G>T, p.Arg50Leu (NM_001440544.1); short protein forms R50L.
Identifiers: ClinVar variation 4739503 (VCV004739503.1).
Genomic context (GRCh38, chr4:88,007,882, plus strand): 5'-TGGCTGGCTGCGCGGCCGTGGGCGCCAGCCTCGCCGCCCCGGGCGGCCTCTGCGAGCAGC[G>T]GGGCCTGGAGATCGAGATGCAGCGCATCCGGCAGGCGGCCGCGCGGGACCCCCCGGCCGG-3'
Protein context (NP_000288.1, residues 40-60): LAAPGGLCEQ[Arg50Leu]GLEIEMQRIR

ClinVar aggregate classification (germline): Uncertain significance (1 of 4 stars; one submission).

Conditions:
Autosomal dominant polycystic kidney disease. Identifiers: Orphanet 730, MedGen C0085413, MONDO:0004691.

Submission:

Labcorp Genetics (formerly Invitae), Labcorp
Classification: Uncertain significance for Autosomal dominant polycystic kidney disease. Last evaluated: 2025-03-05. Review status: criteria provided, single submitter. Criteria: Invitae Variant Classification Sherloc (09022015). Collection method: clinical testing. Allele origin: germline.
Comment: This sequence change replaces arginine, which is basic and polar, with leucine, which is neutral and non-polar, at codon 50 of the PKD2 protein (p.Arg50Leu). This variant is not present in population databases (gnomAD no frequency). This variant has not been reported in the literature in individuals affected with PKD2-related conditions. An algorithm developed to predict the effect of missense changes on protein structure and function (PolyPhen-2) suggests that this variant is likely to be disruptive. In summary, the available evidence is currently insufficient to determine the role of this variant in disease. Therefore, it has been classified as a Variant of Uncertain Significance.